The following is an entry in ClinVar:

ClinVar aggregate classification (germline): Uncertain significance (1 of 4 stars; one submission).

Conditions:
Oocyte maturation defect 3. Also called: OOCYTE/ZYGOTE/EMBRYO MATURATION ARREST 3. Identifiers: MedGen C4540205, MONDO:0021574, OMIM 617712.

Submission:

Juno Genomics, Hangzhou Juno Genomics, Inc
Classification: Uncertain significance for Oocyte maturation defect 3. Review status: criteria provided, single submitter. Criteria: ACMG Guidelines, 2015. Collection method: clinical testing. Allele origin: germline.
Comment: Absent from controls (or at extremely low frequency if recessive) in Genome Aggregation Database.

NM_001110354.2(ZP3):c.590A>T (p.His197Leu)

Gene: ZP3 (zona pellucida glycoprotein 3; plus strand). Cytogenetic location: 7q11.23.
Variant type: single nucleotide variant.
Coding change: c.590A>T on transcript NM_001110354.2 (MANE Select); coding-DNA position 590, A replaced by T.
Protein change: p.His197Leu; replaces histidine 197 with leucine.
Molecular consequence: missense variant.
Genome position (GRCh38, 1-based): chr7:76,433,524, A>T. VCF-style: chr7-76433524-A-T. GRCh37 (hg19) VCF-style: chr7-76062841-A-T.
Other names: c.437A>T, p.His146Leu (NM_007155.6); short protein forms H146L, H197L.
Identifiers: ClinVar variation 5007228 (VCV005007228.2).